The following is an entry in ClinVar:

NM_000059.4(BRCA2):c.9754T>G (p.Ser3252Ala)

Gene: BRCA2 (BRCA2 DNA repair associated; plus strand). Cytogenetic location: 13q13.1.
Variant type: single nucleotide variant.
Coding change: c.9754T>G on transcript NM_000059.4 (MANE Select); coding-DNA position 9754, T replaced by G.
Protein change: p.Ser3252Ala; replaces serine 3252 with alanine.
Molecular consequence: missense variant.
Genome position (GRCh38, 1-based): chr13:32,398,267, T>G. VCF-style: chr13-32398267-T-G. GRCh37 (hg19) VCF-style: chr13-32972404-T-G.
Other names: short protein forms S3252A.
Identifiers: ClinVar variation 572340 (VCV000572340.13), dbSNP rs1060502467, ClinGen allele CA387765711.

ClinVar aggregate classification (germline): Uncertain significance. Review status: criteria provided, multiple submitters, no conflicts (2 of 4 stars). 3 submissions from 3 submitters: Uncertain significance (3). Last evaluated 2023-05-15.

Conditions:
Hereditary cancer-predisposing syndrome. Also called: Hereditary neoplastic syndrome; Neoplastic Syndromes, Hereditary; Hereditary Cancer Syndrome; Tumor predisposition. Identifiers: Orphanet 140162, MedGen C0027672, MeSH D009386, MONDO:0015356.
Familial cancer of breast. Also called: BREAST CANCER, FAMILIAL; hereditary breast carcinoma; Hereditary breast cancer. Identifiers: Orphanet 227535, MedGen C0346153, MONDO:0016419, OMIM 114480. Disease mechanism: loss of function.
Breast-ovarian cancer, familial, susceptibility to, 2 (BROVCA2). Also called: BRCA2 Hereditary Breast and Ovarian Cancer. Identifiers: Orphanet 145, MedGen C2675520, MONDO:0012933, OMIM 612555. Disease mechanism: loss of function.
Hereditary breast ovarian cancer syndrome. Also called: Hereditary breast and ovarian cancer; Hereditary breast and ovarian cancer syndrome (HBOC); Breast and ovarian cancer; BRCA1- and BRCA2-Associated Hereditary Breast and Ovarian Cancer; Hereditary breast and/or ovarian cancer syndrome; Hereditary breast and ovarian cancer syndrome. Identifiers: Orphanet 145, MedGen C0677776, MeSH D061325, MONDO:0003582. Disease mechanism: loss of function.

Submissions (3):

Ambry Genetics
Classification: Uncertain significance for Hereditary cancer-predisposing syndrome. Last evaluated: 2023-05-15. Review status: criteria provided, single submitter. Criteria: Ambry Variant Classification Scheme 2023. Collection method: clinical testing. Allele origin: germline.
Comment: The p.S3252A variant (also known as c.9754T>G), located in coding exon 26 of the BRCA2 gene, results from a T to G substitution at nucleotide position 9754. The serine at codon 3252 is replaced by alanine, an amino acid with similar properties. This amino acid position is conserved. In addition, this alteration is predicted to be tolerated by in silico analysis. Since supporting evidence is limited at this time, the clinical significance of this alteration remains unclear.

Department of Pathology and Laboratory Medicine, Sinai Health System
Classification: Uncertain significance for Familial cancer of breast; Breast-ovarian cancer, familial, susceptibility to, 2. Last evaluated: 2022-01-19. Review status: criteria provided, single submitter. Criteria: ACMG Guidelines, 2015. Collection method: clinical testing. Allele origin: germline. Affected: yes.

Labcorp Genetics (formerly Invitae), Labcorp
Classification: Uncertain significance for Hereditary breast ovarian cancer syndrome. Last evaluated: 2019-06-09. Review status: criteria provided, single submitter. Criteria: Invitae Variant Classification Sherloc (09022015). Collection method: clinical testing. Allele origin: germline.
Comment: In summary, the available evidence is currently insufficient to determine the role of this variant in disease. Therefore, it has been classified as a Variant of Uncertain Significance. Algorithms developed to predict the effect of missense changes on protein structure and function do not agree on the potential impact of this missense change (SIFT: "Tolerated"; PolyPhen-2: "Possibly Damaging"; Align-GVGD: "Class C0"). This variant has not been reported in the literature in individuals with BRCA2-related disease. This variant is not present in population databases (ExAC no frequency). This sequence change replaces serine with alanine at codon 3252 of the BRCA2 protein (p.Ser3252Ala). The serine residue is moderately conserved and there is a moderate physicochemical difference between serine and alanine.